The following is an entry in ClinVar:

ClinVar aggregate classification (germline): Likely benign (1 of 4 stars; one submission).

gnomAD v4.1: 3 of 1,610,400 alleles (0.00019%); highest among the groups gnomAD compares: African/African-American, 0.0027%; no homozygotes.

Submission:

CeGaT Center for Human Genetics Tuebingen
Classification: Likely benign. Last evaluated: 2025-10-01. Review status: criteria provided, single submitter. Criteria: CeGaT Center For Human Genetics Tuebingen Variant Classification Criteria Version 2. Collection method: clinical testing. Allele origin: germline. Affected: yes. Observed: 1 variant allele.
Comment: IWS1: BP4, BP7

NM_017969.3(IWS1):c.768G>A (p.Pro256=)

Gene: IWS1 (interacts with SUPT6H, CTD assembly factor 1; minus strand). Cytogenetic location: 2q14.3.
Variant type: single nucleotide variant.
Coding change: c.768G>A on transcript NM_017969.3 (MANE Select); coding-DNA position 768, G replaced by A.
Protein change: p.Pro256=; no amino-acid change (proline 256 retained).
Molecular consequence: synonymous variant.
Genome position (GRCh38, 1-based): chr2:127,505,135, C>T on the plus strand (G>A on the coding strand, the complement: IWS1 is on the minus strand). VCF-style: chr2-127505135-C-T. GRCh37 (hg19) VCF-style: chr2-128262711-C-T.
Other names: c.768G>A, p.Pro256= (NM_001410923.1).
Identifiers: ClinVar variation 4533464 (VCV004533464.6).